The following is an entry in ClinVar:

NM_003640.5(ELP1):c.3572C>T (p.Ala1191Val)

Gene: ELP1 (elongator acetyltransferase complex subunit 1; minus strand). Cytogenetic location: 9q31.3.
Variant type: single nucleotide variant.
Coding change: c.3572C>T on transcript NM_003640.5 (MANE Select); coding-DNA position 3572, C replaced by T.
Protein change: p.Ala1191Val; replaces alanine 1191 with valine.
Molecular consequence: missense variant.
Genome position (GRCh38, 1-based): chr9:108,879,446, G>A on the plus strand (C>T on the coding strand, the complement: ELP1 is on the minus strand). VCF-style: chr9-108879446-G-A. GRCh37 (hg19) VCF-style: chr9-111641726-G-A.
Other names: c.3230C>T, p.Ala1077Val (NM_001318360.2); c.2525C>T, p.Ala842Val (NM_001330749.2); short protein forms A1077V, A1191V, A842V.
Identifiers: ClinVar variation 1800419 (VCV001800419.3), dbSNP rs930566431, ClinGen allele CA197520270.
Genomic context (GRCh38, chr9:108,879,446, plus strand): 5'-CTTCCACTTTCCCTATATGCCCAGGATATAGTCAATGTGCTGAATCAATGTGATACGTAC[G>A]CTGATATCCTGGAGTTACTATGGGAGTATTTGCCACTCATCTCACTGCCACTCACGACAC-3'
Protein context (NP_003631.2, residues 1181-1201): KYSHSNSRIS[Ala1191Val]RSSKNRRKAE

ClinVar aggregate classification (germline): Uncertain significance. Review status: criteria provided, multiple submitters, no conflicts (2 of 4 stars). 2 submissions from 2 submitters: Uncertain significance (2). Last evaluated 2024-06-14.

Conditions:
Familial dysautonomia. Also called: FD; HSAN III. Identifiers: Orphanet 1764, MedGen C0013364, MONDO:0009131, OMIM 223900. Disease mechanism: loss of function.
Medulloblastoma (MDB). Also called: MEDULLOBLASTOMA PREDISPOSITION SYNDROME; Medulloblastoma, somatic. Identifiers: Orphanet 616, MedGen C0025149, MeSH D008527, MONDO:0007959, OMIM 155255, HP:0002885.

Allele frequency attached by ClinVar (database versions not stated): gnomAD 0.00001; TOPMed 0.00001.
gnomAD v4.1: 54 of 1,601,130 alleles (0.0034%); highest among the groups gnomAD compares: Non-Finnish European, 0.0042%; no homozygotes.

Submissions (2):

Fulgent Genetics
Classification: Uncertain significance for Medulloblastoma; Familial dysautonomia. Last evaluated: 2024-06-14. Review status: criteria provided, single submitter. Criteria: ACMG Guidelines, 2015. Collection method: clinical testing. Allele origin: germline.

Ambry Genetics
Classification: Uncertain significance. Last evaluated: 2019-12-28. Review status: criteria provided, single submitter. Criteria: Ambry Variant Classification Scheme 2023. Collection method: clinical testing. Allele origin: germline.
Comment: The p.A1191V variant (also known as c.3572C>T), located in coding exon 32 of the IKBKAP gene, results from a C to T substitution at nucleotide position 3572. The amino acid change results in alanine to valine at codon 1191, an amino acid with similar properties. However, this change occurs in the last base pair of coding exon 32, which makes it likely to have some effect on normal mRNA splicing. This amino acid position is well conserved in available vertebrate species. In addition, this alteration is predicted to be tolerated by in silico analysis. Since supporting evidence is limited at this time, the clinical significance of this alteration remains unclear.